The following is an entry in ClinVar:

ClinVar aggregate classification (germline): Uncertain significance (1 of 4 stars; one submission).

Submission:

Labcorp Genetics (formerly Invitae), Labcorp
Classification: Uncertain significance. Last evaluated: 2024-10-30. Review status: criteria provided, single submitter. Criteria: Invitae Variant Classification Sherloc (09022015). Collection method: clinical testing. Allele origin: germline.
Comment: This sequence change creates a premature translational stop signal (p.Ser299Leufs*73) in the FOXI3 gene. While this is not anticipated to result in nonsense mediated decay, it is expected to disrupt the last 122 amino acid(s) of the FOXI3 protein. This variant is not present in population databases (gnomAD no frequency). This variant has not been reported in the literature in individuals affected with FOXI3-related conditions. Experimental studies and prediction algorithms are not available or were not evaluated, and the functional significance of this variant is currently unknown. In summary, the available evidence is currently insufficient to determine the role of this variant in disease. Therefore, it has been classified as a Variant of Uncertain Significance.

NM_001135649.3(FOXI3):c.894dup (p.Ser299fs)

Gene: FOXI3 (forkhead box I3; minus strand). Cytogenetic location: 2p11.2.
Variant type: Duplication.
Coding change: c.894dup on transcript NM_001135649.3 (MANE Select); coding-DNA position 894, one base duplicated (C; older notation c.894dupC).
Protein change: p.Ser299fs; shifts the reading frame from serine 299.
Molecular consequence: frameshift variant.
Genome position (GRCh38, 1-based): chr2:88,448,576, G duplicated on the plus strand (C on the coding strand, the reverse complement: FOXI3 is on the minus strand); the first of 2 consecutive G bases (chr2:88,448,576-88,448,577); duplicating either gives the same sequence. VCF-style (leftmost placement, unchanged base first): chr2-88448575-A-AG. GRCh37 (hg19) VCF-style: chr2-88748094-A-AG.
Other names: short protein forms S299fs.
Identifiers: ClinVar variation 3724277 (VCV003724277.2).